The following is an entry in ClinVar:

NM_001166108.2(PALLD):c.533A>C (p.Glu178Ala)

Gene: PALLD (palladin, cytoskeletal associated protein; plus strand). Cytogenetic location: 4q32.3.
Variant type: single nucleotide variant.
Coding change: c.533A>C on transcript NM_001166108.2 (MANE Select); coding-DNA position 533, A replaced by C.
Protein change: p.Glu178Ala; replaces glutamic acid 178 with alanine.
Molecular consequence: missense variant.
Genome position (GRCh38, 1-based): chr4:168,512,037, A>C. VCF-style: chr4-168512037-A-C. GRCh37 (hg19) VCF-style: chr4-169433188-A-C.
Other names: c.533A>C, p.Glu178Ala (NM_016081.4); short protein forms E178A.
Identifiers: ClinVar variation 1746911 (VCV001746911.3), dbSNP rs978092731, ClinGen allele CA109883355.

ClinVar aggregate classification (germline): Uncertain significance (1 of 4 stars; one submission).

Allele frequency attached by ClinVar (database versions not stated): gnomAD 0.00001; gnomAD exomes 0.00001; TOPMed 0.00003.
gnomAD v4.1: 5 of 1,614,088 alleles (0.00031%); highest among the groups gnomAD compares: African/African-American, 0.0053%; no homozygotes.

Submission:

Ambry Genetics
Classification: Uncertain significance. Last evaluated: 2024-10-11. Review status: criteria provided, single submitter. Criteria: Ambry Variant Classification Scheme 2023. Collection method: clinical testing. Allele origin: germline.
Comment: The p.E178A variant (also known as c.533A>C), located in coding exon 1 of the PALLD gene, results from an A to C substitution at nucleotide position 533. The glutamic acid at codon 178 is replaced by alanine, an amino acid with dissimilar properties. This amino acid position is conserved. In addition, the in silico prediction for this alteration is inconclusive. Since supporting evidence is limited at this time, the clinical significance of this alteration remains unclear.